The following is an entry in ClinVar:

ClinVar aggregate classification (germline): Likely benign. Review status: criteria provided, multiple submitters, no conflicts (2 of 4 stars). 2 submissions from 2 submitters: Likely benign (2). Last evaluated 2025-08-15.

Conditions:
CASR-related disorder. Also called: CASR-related condition.
Autosomal dominant hypocalcemia 1 (HYPOC1). Also called: HYPOCALCEMIA, FAMILIAL. Identifiers: MedGen C3715128, MONDO:0011013, OMIM 601198.
Familial hypocalciuric hypercalcemia (FHH). Also called: Familial benign hypercalcemia. Identifiers: Orphanet 405, MedGen C1809471, MONDO:0018458.

Allele frequency attached by ClinVar (database versions not stated): gnomAD 0.00001; gnomAD exomes 0.00001 and 0.00004; ExAC 0.00004; TOPMed below 0.00001.
gnomAD v4.1: 13 of 1,604,414 alleles (0.00081%); highest among the groups gnomAD compares: Admixed American, 0.022%; no homozygotes.

Submissions (2):

PreventionGenetics, part of Exact Sciences
Classification: Likely benign for CASR-related condition. Last evaluated: 2025-08-15. Review status: criteria provided, single submitter. Criteria: ACMG Guidelines, 2015. Collection method: clinical testing. Allele origin: germline.
Comment: This variant is classified as likely benign based on ACMG/AMP sequence variant interpretation guidelines (Richards et al. 2015 PMID: 25741868, with internal and published modifications).

Labcorp Genetics (formerly Invitae), Labcorp
Classification: Likely benign for Familial hypocalciuric hypercalcemia; Autosomal dominant hypocalcemia 1. Last evaluated: 2024-12-12. Review status: criteria provided, single submitter. Criteria: Invitae Variant Classification Sherloc (09022015). Collection method: clinical testing. Allele origin: germline.

NM_000388.4(CASR):c.1378-6C>T

Gene: CASR (calcium sensing receptor; plus strand). Cytogenetic location: 3q21.1.
Variant type: single nucleotide variant.
Coding change: c.1378-6C>T on transcript NM_000388.4 (MANE Select); 6 bases into the intron before coding-DNA position 1378, C replaced by T.
Molecular consequence: intron variant.
Genome position (GRCh38, 1-based): chr3:122,275,806, C>T. VCF-style: chr3-122275806-C-T. GRCh37 (hg19) VCF-style: chr3-121994653-C-T.
Other names: c.1378-6C>T (NM_001178065.2, NM_001178065.1).
Identifiers: ClinVar variation 745391 (VCV000745391.12), dbSNP rs765745520, ClinGen allele CA2569647.